The following is an entry in ClinVar:

NM_001018005.2(TPM1):c.807C>T (p.Ala269=)

Gene: TPM1 (tropomyosin 1; plus strand). Cytogenetic location: 15q22.2.
Variant type: single nucleotide variant.
Coding change: c.807C>T on transcript NM_001018005.2 (MANE Select); coding-DNA position 807, C replaced by T.
Protein change: p.Ala269=; no amino-acid change (alanine 269 retained).
Molecular consequence: synonymous variant. On other transcripts: intron variant (12).
Genome position (GRCh38, 1-based): chr15:63,064,098, C>T. VCF-style: chr15-63064098-C-T. GRCh37 (hg19) VCF-style: chr15-63356297-C-T.
Other names: c.807C>T, p.Ala269= (NM_000366.6, NM_001301244.2, NM_001365779.1); c.699C>T, p.Ala233= (NM_001330346.2, NM_001365781.2, NM_001365782.1); c.898+1453C>T (NM_001365778.1); c.772+1453C>T (NM_001018020.2, NM_001018007.2, NM_001018006.2 and 3 more transcripts); c.664+1453C>T (NM_001330351.2, NM_001330344.2, NM_001018008.2 and 2 more transcripts).
Identifiers: ClinVar variation 918796 (VCV000918796.10), dbSNP rs751778912, ClinGen allele CA032088.

ClinVar aggregate classification (germline): Likely benign. Review status: criteria provided, multiple submitters, no conflicts (2 of 4 stars). 5 submissions from 5 submitters: Likely benign (5). Last evaluated 2026-04-17.

Conditions:
TPM1-related disorder. Also called: TPM1-related condition.
Cardiovascular phenotype. Identifiers: MedGen CN230736.
Hypertrophic cardiomyopathy. Also called: HYPERTROPHIC MYOCARDIOPATHY. Identifiers: Orphanet 217569, MedGen C0007194, MeSH D002312, MONDO:0005045, HP:0001639.
Cardiomyopathy (CMYO). Also called: Cardiomyopathies. Identifiers: Orphanet 167848, MedGen C0878544, MONDO:0004994, HP:0001638. Inheritance: Various modes of inheritance.

Allele frequency attached by ClinVar (database versions not stated): ExAC 0.00002; gnomAD exomes 0.00004 and 0.00001; gnomAD 0.00001; TOPMed 0.00001.

Submissions (5):

PreventionGenetics, part of Exact Sciences
Classification: Likely benign for TPM1-related condition. Last evaluated: 2026-04-17. Review status: criteria provided, single submitter. Criteria: ACMG Guidelines, 2015. Collection method: clinical testing. Allele origin: germline.
Comment: This variant is classified as likely benign based on ACMG/AMP sequence variant interpretation guidelines (Richards et al. 2015 PMID: 25741868, with internal and published modifications).

Labcorp Genetics (formerly Invitae), Labcorp
Classification: Likely benign for Hypertrophic cardiomyopathy. Last evaluated: 2026-01-04. Review status: criteria provided, single submitter. Criteria: Invitae Variant Classification Sherloc (09022015). Collection method: clinical testing. Allele origin: germline.

All of Us Research Program, National Institutes of Health
Classification: Likely benign for Hypertrophic cardiomyopathy. Last evaluated: 2024-05-09. Review status: criteria provided, single submitter. Criteria: ACMG Guidelines, 2015. Collection method: clinical testing. Allele origin: germline. Inheritance: Autosomal dominant inheritance. Observed: 3 variant alleles, 3 heterozygotes.
Comment: This study involves interpretation of variants in research participants for the purpose of population health screening. Participant phenotype was not available at the time of variant classification. Additional details can be found in publication PMID: 35346344, PMCID: PMC8962531

Ambry Genetics
Classification: Likely benign for Cardiovascular phenotype. Last evaluated: 2020-11-12. Review status: criteria provided, single submitter. Criteria: Ambry Variant Classification Scheme 2023. Collection method: clinical testing. Allele origin: germline.

Color Diagnostics, LLC DBA Color Health
Classification: Likely benign for Cardiomyopathy. Last evaluated: 2019-09-09. Review status: criteria provided, single submitter. Criteria: ACMG Guidelines, 2015. Collection method: clinical testing. Allele origin: germline.